The following is an entry in ClinVar:

NM_003315.4(DNAJC7):c.765A>C (p.Ala255=)

Gene: DNAJC7 (DnaJ heat shock protein family (Hsp40) member C7; minus strand). Cytogenetic location: 17q21.2.
Variant type: single nucleotide variant.
Coding change: c.765A>C on transcript NM_003315.4 (MANE Select); coding-DNA position 765, A replaced by C.
Protein change: p.Ala255=; no amino-acid change (alanine 255 retained).
Molecular consequence: synonymous variant. On other transcripts: non-coding transcript variant (1).
Genome position (GRCh38, 1-based): chr17:41,988,885, T>G on the plus strand (A>C on the coding strand, the complement: DNAJC7 is on the minus strand). VCF-style: chr17-41988885-T-G. GRCh37 (hg19) VCF-style: chr17-40140903-T-G.
Other names: c.597A>C, p.Ala199= (NM_001144766.3).
Identifiers: ClinVar variation 4988032 (VCV004988032.1).

ClinVar aggregate classification (germline): Likely benign (1 of 4 stars; one submission).

Conditions:
DNAJC7-related condition.

gnomAD v4.1: 526 of 1,613,534 alleles (0.033%); highest among the groups gnomAD compares: Middle Eastern, 0.27%; 1 homozygote.

Submission:

PreventionGenetics, part of Exact Sciences
Classification: Likely benign for DNAJC7-related condition. Last evaluated: 2024-12-02. Review status: criteria provided, single submitter. Criteria: ACMG Guidelines, 2015. Collection method: clinical testing. Allele origin: germline.
Comment: This variant is classified as likely benign based on ACMG/AMP sequence variant interpretation guidelines (Richards et al. 2015 PMID: 25741868, with internal and published modifications).